The following is an entry in ClinVar:

NM_001429.4(EP300):c.6370G>T (p.Val2124Phe)

Gene: EP300 (E1A binding protein p300; plus strand). Cytogenetic location: 22q13.2.
Variant type: single nucleotide variant.
Coding change: c.6370G>T on transcript NM_001429.4 (MANE Select); coding-DNA position 6370, G replaced by T.
Protein change: p.Val2124Phe; replaces valine 2124 with phenylalanine.
Molecular consequence: missense variant.
Genome position (GRCh38, 1-based): chr22:41,178,081, G>T. VCF-style: chr22-41178081-G-T. GRCh37 (hg19) VCF-style: chr22-41574085-G-T.
Other names: c.6292G>T, p.Val2098Phe (NM_001362843.2); short protein forms V2098F, V2124F.
Identifiers: ClinVar variation 3343947 (VCV003343947.1).

ClinVar aggregate classification (germline): Uncertain significance (1 of 4 stars; one submission).

gnomAD v4.1: 2 of 1,614,108 alleles (0.00012%); highest among the groups gnomAD compares: Non-Finnish European, 0.00017%; no homozygotes.

Submission:

GeneDx
Classification: Uncertain significance. Last evaluated: 2023-09-01. Review status: criteria provided, single submitter. Criteria: GeneDx Variant Classification Process June 2021. Collection method: clinical testing. Allele origin: germline. Affected: yes.
Comment: In silico analysis supports that this missense variant does not alter protein structure/function; Not observed at significant frequency in large population cohorts (gnomAD); This variant is associated with the following publications: (PMID: 33077954)